The following is an entry in ClinVar:

NC_000004.11:g.(?_151814184)_(151935794_?)dup

Gene: LRBA (LPS responsive beige-like anchor protein; minus strand). Cytogenetic location: 4q31.3.
Variant type: Duplication.
Identifiers: ClinVar variation 2425640 (VCV002425640.2).

ClinVar aggregate classification (germline): Uncertain significance (1 of 4 stars; one submission).

Conditions:
Combined immunodeficiency due to LRBA deficiency. Also called: Common variable immunodeficiency 8, with autoimmunity. Identifiers: Orphanet 445018, MedGen C3553512, MONDO:0013863, OMIM 614700.

Submission:

Labcorp Genetics (formerly Invitae), Labcorp
Classification: Uncertain significance for Combined immunodeficiency due to LRBA deficiency. Last evaluated: 2022-08-09. Review status: criteria provided, single submitter. Criteria: Invitae Variant Classification Sherloc (09022015). Collection method: clinical testing. Allele origin: germline.
Comment: This variant results in a copy number gain of the genomic region encompassing exon(s) 2-17 of the LRBA gene. This region includes the initiator codon of the gene. This copy number gain extends beyond the assayed region for this gene and therefore may encompass additional genes. As the precise location of this event is unknown, it may be in tandem or it may be located elsewhere in the genome. This variant has not been reported in the literature in individuals affected with LRBA-related conditions. In summary, the available evidence is currently insufficient to determine the role of this variant in disease. Therefore, it has been classified as a Variant of Uncertain Significance.